The following is an entry in ClinVar:

NM_003724.4(JRK):c.486G>A (p.Ala162=)

Gene: JRK (Jrk helix-turn-helix protein; minus strand). Cytogenetic location: 8q24.3.
Variant type: single nucleotide variant.
Coding change: c.486G>A on transcript NM_003724.4 (MANE Select); coding-DNA position 486, G replaced by A.
Protein change: p.Ala162=; no amino-acid change (alanine 162 retained).
Molecular consequence: synonymous variant.
Genome position (GRCh38, 1-based): chr8:142,665,573, C>T on the plus strand (G>A on the coding strand, the complement: JRK is on the minus strand). VCF-style: chr8-142665573-C-T. GRCh37 (hg19) VCF-style: chr8-143746992-C-T.
Other names: c.486G>A, p.Ala162= (NM_001077527.3, NM_001279352.2).
Identifiers: ClinVar variation 2658886 (VCV002658886.24), dbSNP rs182435493, ClinGen allele CA463503426.

ClinVar aggregate classification (germline): Likely benign (1 of 4 stars; one submission).

Allele frequency attached by ClinVar (database versions not stated): 1000 Genomes Project 30x 0.00016.
gnomAD v4.1: 3 of 718,526 alleles (0.00042%); highest among the groups gnomAD compares: African/African-American, 0.0017%; no homozygotes.

Submission:

CeGaT Center for Human Genetics Tuebingen
Classification: Likely benign. Last evaluated: 2022-09-01. Review status: criteria provided, single submitter. Criteria: CeGaT Center For Human Genetics Tuebingen Variant Classification Criteria Version 2. Collection method: clinical testing. Allele origin: germline. Affected: yes. Observed: 1 variant allele.
Comment: JRK: BP4, BP7